The following is an entry in ClinVar:

ClinVar aggregate classification (germline): Uncertain significance. Review status: criteria provided, multiple submitters, no conflicts (2 of 4 stars). 4 submissions from 4 submitters: Uncertain significance (4). Last evaluated 2025-08-12.

Conditions:
Dilated cardiomyopathy 1JJ (CMD1JJ). Identifiers: Orphanet 154, MedGen C3808935, MONDO:0014095, OMIM 615235.
Cardiovascular phenotype. Identifiers: MedGen CN230736.

Allele frequency attached by ClinVar (database versions not stated): gnomAD exomes 0.00002 and 0.00003; ExAC 0.00003; gnomAD 0.00005 and 0.00006; TOPMed 0.00007; ESP Exome Variant Server 0.00015.
gnomAD v4.1: 40 of 1,611,602 alleles (0.0025%); highest among the groups gnomAD compares: African/African-American, 0.0094%; no homozygotes.

Submissions (4):

Ambry Genetics
Classification: Uncertain significance for Cardiovascular phenotype. Last evaluated: 2025-08-12. Review status: criteria provided, single submitter. Criteria: Ambry Variant Classification Scheme 2023. Collection method: clinical testing. Allele origin: germline.
Comment: The p.R538H variant (also known as c.1613G>A), located in coding exon 12 of the LAMA4 gene, results from a G to A substitution at nucleotide position 1613. The arginine at codon 538 is replaced by histidine, an amino acid with highly similar properties. This amino acid position is well conserved in available vertebrate species. In addition, this alteration is predicted to be tolerated by in silico analysis. Since supporting evidence is limited at this time, the clinical significance of this alteration remains unclear.

Labcorp Genetics (formerly Invitae), Labcorp
Classification: Uncertain significance for Dilated cardiomyopathy 1JJ. Last evaluated: 2025-05-16. Review status: criteria provided, single submitter. Criteria: Invitae Variant Classification Sherloc (09022015). Collection method: clinical testing. Allele origin: germline.
Comment: This sequence change replaces arginine, which is basic and polar, with histidine, which is basic and polar, at codon 538 of the LAMA4 protein (p.Arg538His). This variant is present in population databases (rs143937452, gnomAD 0.007%). This variant has not been reported in the literature in individuals affected with LAMA4-related conditions. ClinVar contains an entry for this variant (Variation ID: 1315467). An algorithm developed to predict the effect of missense changes on protein structure and function outputs the following: PolyPhen-2: "Benign". The histidine amino acid residue is found in multiple mammalian species, which suggests that this missense change does not adversely affect protein function. In summary, the available evidence is currently insufficient to determine the role of this variant in disease. Therefore, it has been classified as a Variant of Uncertain Significance.

Fulgent Genetics
Classification: Uncertain significance for Dilated cardiomyopathy 1JJ. Last evaluated: 2021-10-25. Review status: criteria provided, single submitter. Criteria: ACMG Guidelines, 2015. Collection method: clinical testing. Allele origin: unknown.

GeneDx
Classification: Uncertain significance. Last evaluated: 2020-02-11. Review status: criteria provided, single submitter. Criteria: GeneDx Variant Classification Process June 2021. Collection method: clinical testing. Allele origin: germline. Affected: yes.
Comment: Has not been previously published as pathogenic or benign to our knowledge; In silico analysis supports that this missense variant does not alter protein structure/function

NM_001105206.3(LAMA4):c.1634G>A (p.Arg545His)

Gene: LAMA4 (laminin subunit alpha 4; minus strand). Cytogenetic location: 6q21.
Variant type: single nucleotide variant.
Coding change: c.1634G>A on transcript NM_001105206.3 (MANE Select); coding-DNA position 1634, G replaced by A.
Protein change: p.Arg545His; replaces arginine 545 with histidine.
Molecular consequence: missense variant.
Genome position (GRCh38, 1-based): chr6:112,165,194, C>T on the plus strand (G>A on the coding strand, the complement: LAMA4 is on the minus strand). VCF-style: chr6-112165194-C-T. GRCh37 (hg19) VCF-style: chr6-112486396-C-T.
Other names: c.1613G>A, p.Arg538His (NM_001105207.3, NM_002290.5); short protein forms R538H, R545H.
Identifiers: ClinVar variation 1315467 (VCV001315467.13), dbSNP rs143937452, ClinGen allele CA3965721.
Genomic context (GRCh38, chr6:112,165,194, plus strand): 5'-CCTGAACAAGTCACGTGCGTCCTTACCTTTATTATATCATCAAGTTCTGAAAGAGTTAGA[C>T]GAGGTGTTGTCAGAGAGTCCGCAGATGTGCTCAGAGACATGTTCACCACTTCCATTTGTT-3'
Protein context (NP_001098676.2, residues 535-555): STSADSLTTP[Arg545His]LTLSELDDII